The following is an entry in ClinVar:

ClinVar aggregate classification (germline): Uncertain significance (1 of 4 stars; one submission).

Allele frequency attached by ClinVar (database versions not stated): gnomAD 0.00002.
gnomAD v4.1: 3 of 1,613,750 alleles (0.00019%); highest among the groups gnomAD compares: African/African-American, 0.004%; no homozygotes.

Submission:

Labcorp Genetics (formerly Invitae), Labcorp
Classification: Uncertain significance. Last evaluated: 2024-10-26. Review status: criteria provided, single submitter. Criteria: Invitae Variant Classification Sherloc (09022015). Collection method: clinical testing. Allele origin: germline.
Comment: This sequence change replaces serine, which is neutral and polar, with proline, which is neutral and non-polar, at codon 60 of the OCA2 protein (p.Ser60Pro). This variant is present in population databases (no rsID available, gnomAD 0.01%). This variant has not been reported in the literature in individuals affected with OCA2-related conditions. ClinVar contains an entry for this variant (Variation ID: 1523803). Invitae Evidence Modeling of protein sequence and biophysical properties (such as structural, functional, and spatial information, amino acid conservation, physicochemical variation, residue mobility, and thermodynamic stability) indicates that this missense variant is not expected to disrupt OCA2 protein function with a negative predictive value of 95%. In summary, the available evidence is currently insufficient to determine the role of this variant in disease. Therefore, it has been classified as a Variant of Uncertain Significance.

NM_000275.3(OCA2):c.178T>C (p.Ser60Pro)

Gene: OCA2 (OCA2 melanosomal transmembrane protein; minus strand). Cytogenetic location: 15q13.1.
Variant type: single nucleotide variant.
Coding change: c.178T>C on transcript NM_000275.3 (MANE Select); coding-DNA position 178, T replaced by C.
Protein change: p.Ser60Pro; replaces serine 60 with proline.
Molecular consequence: missense variant.
Genome position (GRCh38, 1-based): chr15:28,081,697, A>G on the plus strand (T>C on the coding strand, the complement: OCA2 is on the minus strand). VCF-style: chr15-28081697-A-G. GRCh37 (hg19) VCF-style: chr15-28326843-A-G.
Other names: c.178T>C, p.Ser60Pro (NM_001300984.2); short protein forms S60P.
Identifiers: ClinVar variation 1523803 (VCV001523803.8), dbSNP rs1482513844, ClinGen allele CA391366618.
Genomic context (GRCh38, chr15:28,081,697, plus strand): 5'-TTTAAACTCACCTCCCTTTTGTGAGGAATGAAGCAAACTCCTGGCCTGCAGGAGCCCAAG[A>G]GCTCTGCCCGGCAGCCCCCCTGGGGCAGGAGTGCGAGGGGTCAGCTCCACCGGCTCCCCG-3'
Protein context (NP_000266.2, residues 50-70): SCPRGAAGQS[Ser60Pro]WAPAGQEFAS